The following is an entry in ClinVar:

NM_000336.3(SCNN1B):c.1873C>G (p.Leu625Val)

Gene: SCNN1B (sodium channel epithelial 1 subunit beta; plus strand). Cytogenetic location: 16p12.2.
Variant type: single nucleotide variant.
Coding change: c.1873C>G on transcript NM_000336.3 (MANE Select); coding-DNA position 1873, C replaced by G.
Protein change: p.Leu625Val; replaces leucine 625 with valine.
Molecular consequence: missense variant.
Genome position (GRCh38, 1-based): chr16:23,380,751, C>G. VCF-style: chr16-23380751-C-G. GRCh37 (hg19) VCF-style: chr16-23392072-C-G.
Other names: p.Leu625Val; c.1765C>G, p.Leu589Val (NM_001410900.1); short protein forms L589V, L625V.
Identifiers: ClinVar variation 1944557 (VCV001944557.6), dbSNP rs1383848872, ClinGen allele CA395114075.

ClinVar aggregate classification (germline): Uncertain significance. Review status: criteria provided, multiple submitters, no conflicts (2 of 4 stars). 2 submissions from 2 submitters: Uncertain significance (2). Last evaluated 2025-06-12.

Allele frequency attached by ClinVar (database versions not stated): gnomAD exomes 0.00001; TOPMed 0.00001; gnomAD 0.00002.
gnomAD v4.1: 15 of 1,612,576 alleles (0.00093%); highest among the groups gnomAD compares: Non-Finnish European, 0.0012%; no homozygotes.

Submissions (2):

Labcorp Genetics (formerly Invitae), Labcorp
Classification: Uncertain significance. Last evaluated: 2025-06-12. Review status: criteria provided, single submitter. Criteria: Invitae Variant Classification Sherloc (09022015). Collection method: clinical testing. Allele origin: germline.
Comment: This sequence change replaces leucine, which is neutral and non-polar, with valine, which is neutral and non-polar, at codon 625 of the SCNN1B protein (p.Leu625Val). This variant is not present in population databases (gnomAD no frequency). This variant has not been reported in the literature in individuals affected with SCNN1B-related conditions. ClinVar contains an entry for this variant (Variation ID: 1944557). An algorithm developed to predict the effect of missense changes on protein structure and function (PolyPhen-2) suggests that this variant is likely to be tolerated. In summary, the available evidence is currently insufficient to determine the role of this variant in disease. Therefore, it has been classified as a Variant of Uncertain Significance.

Mayo Clinic Laboratories, Mayo Clinic
Classification: Uncertain significance. Last evaluated: 2025-05-19. Review status: criteria provided, single submitter. Criteria: ACMG Guidelines, 2015. Collection method: clinical testing. Allele origin: germline. Observed: 1 variant allele.
Comment: BP4_moderate, PM2_supporting